The following is an entry in ClinVar:

NM_030665.4(RAI1):c.4693G>C (p.Val1565Leu)

Gene: RAI1 (retinoic acid induced 1; plus strand). Cytogenetic location: 17p11.2.
Variant type: single nucleotide variant.
Coding change: c.4693G>C on transcript NM_030665.4 (MANE Select); coding-DNA position 4693, G replaced by C.
Protein change: p.Val1565Leu; replaces valine 1565 with leucine.
Molecular consequence: missense variant.
Genome position (GRCh38, 1-based): chr17:17,797,641, G>C. VCF-style: chr17-17797641-G-C. GRCh37 (hg19) VCF-style: chr17-17700955-G-C.
Other names: c.4693G>C (NM_030665.3); short protein forms V1565L.
Identifiers: ClinVar variation 2991537 (VCV002991537.5), dbSNP rs368106957, ClinGen allele CA398557294.

ClinVar aggregate classification (germline): Uncertain significance. Review status: criteria provided, multiple submitters, no conflicts (2 of 4 stars). 3 submissions from 3 submitters: Uncertain significance (3). Last evaluated 2024-12-06.

Conditions:
RAI1-related disorder. Also called: RAI1-related condition.

gnomAD v4.1: 4 of 1,613,876 alleles (0.00025%); highest among the groups gnomAD compares: Non-Finnish European, 0.00034%; no homozygotes.

Submissions (3):

PreventionGenetics, part of Exact Sciences
Classification: Uncertain significance for RAI1-related condition. Last evaluated: 2024-12-06. Review status: criteria provided, single submitter. Criteria: ACMG Guidelines, 2015. Collection method: clinical testing. Allele origin: germline.
Comment: The RAI1 c.4693G>C variant is predicted to result in the amino acid substitution p.Val1565Leu. To our knowledge, this variant has not been reported in the literature or in a large population database (gnomAD), indicating this variant is rare. At this time, the clinical significance of this variant is uncertain due to the absence of conclusive functional and genetic evidence.

GeneDx
Classification: Uncertain significance. Last evaluated: 2024-11-26. Review status: criteria provided, single submitter. Criteria: GeneDx Variant Classification Process June 2021. Collection method: clinical testing. Allele origin: germline. Affected: yes.
Comment: Not observed at significant frequency in large population cohorts (gnomAD); In silico analysis indicates that this missense variant does not alter protein structure/function; Has not been previously published as pathogenic or benign to our knowledge

Labcorp Genetics (formerly Invitae), Labcorp
Classification: Uncertain significance. Last evaluated: 2024-01-06. Review status: criteria provided, single submitter. Criteria: Invitae Variant Classification Sherloc (09022015). Collection method: clinical testing. Allele origin: germline.
Comment: This sequence change replaces valine, which is neutral and non-polar, with leucine, which is neutral and non-polar, at codon 1565 of the RAI1 protein (p.Val1565Leu). This variant is not present in population databases (gnomAD no frequency). This variant has not been reported in the literature in individuals affected with RAI1-related conditions. Advanced modeling of protein sequence and biophysical properties (such as structural, functional, and spatial information, amino acid conservation, physicochemical variation, residue mobility, and thermodynamic stability) performed at Invitae indicates that this missense variant is not expected to disrupt RAI1 protein function with a negative predictive value of 80%. In summary, the available evidence is currently insufficient to determine the role of this variant in disease. Therefore, it has been classified as a Variant of Uncertain Significance.